The following is an entry in ClinVar:

NM_021167.5(GATAD1):c.199A>G (p.Ser67Gly)

Genes: GATAD1 (GATA zinc finger domain containing 1; plus strand), LOC129998793 (ATAC-STARR-seq lymphoblastoid silent region 18371; plus strand). Cytogenetic location: 7q21.2.
Variant type: single nucleotide variant.
Coding change: c.199A>G on transcript NM_021167.5 (MANE Select); coding-DNA position 199, A replaced by G.
Protein change: p.Ser67Gly; replaces serine 67 with glycine.
Molecular consequence: missense variant. On other transcripts: non-coding transcript variant (1).
Genome position (GRCh38, 1-based): chr7:92,447,928, A>G. VCF-style: chr7-92447928-A-G. GRCh37 (hg19) VCF-style: chr7-92077242-A-G.
Other names: short protein forms S67G.
Identifiers: ClinVar variation 1784122 (VCV001784122.4), dbSNP rs1459264722, ClinGen allele CA368155667.
Genomic context (GRCh38, chr7:92,447,928, plus strand): 5'-GGGGCGGCTGGAGGGACTGGGGGCAGCGGCGGCGGCGGCTTCGGCGCGGCGACCTTCGCC[A>G]GCACCTCCGCCACCCCTCCGCAGAGCAACGGGGGCGGGGGCGGCAAGCAGGTGAGCTCCT-3'
Protein context (NP_066990.3, residues 57-77): GGGFGAATFA[Ser67Gly]TSATPPQSNG

ClinVar aggregate classification (germline): Uncertain significance. Review status: criteria provided, multiple submitters, no conflicts (2 of 4 stars). 2 submissions from 2 submitters: Uncertain significance (2). Last evaluated 2025-10-29.

Conditions:
Cardiovascular phenotype. Identifiers: MedGen CN230736.
Dilated cardiomyopathy 2B. Identifiers: Orphanet 154, MedGen C3553409, MONDO:0013848, OMIM 614672.

Allele frequency attached by ClinVar (database versions not stated): gnomAD 0.00002; gnomAD exomes 0.00002; TOPMed 0.00002.
gnomAD v4.1: 7 of 1,245,774 alleles (0.00056%); highest among the groups gnomAD compares: African/African-American, 0.0016%; no homozygotes.

Submissions (2):

Labcorp Genetics (formerly Invitae), Labcorp
Classification: Uncertain significance for Dilated cardiomyopathy 2B. Last evaluated: 2025-10-29. Review status: criteria provided, single submitter. Criteria: Invitae Variant Classification Sherloc (09022015). Collection method: clinical testing. Allele origin: germline.
Comment: This sequence change replaces serine, which is neutral and polar, with glycine, which is neutral and non-polar, at codon 67 of the GATAD1 protein (p.Ser67Gly). This variant is not present in population databases (gnomAD no frequency). This variant has not been reported in the literature in individuals affected with GATAD1-related conditions. ClinVar contains an entry for this variant (Variation ID: 1784122). An algorithm developed to predict the effect of missense changes on protein structure and function outputs the following: PolyPhen-2: "Benign". The glycine amino acid residue is found in multiple mammalian species, which suggests that this missense change does not adversely affect protein function. In summary, the available evidence is currently insufficient to determine the role of this variant in disease. Therefore, it has been classified as a Variant of Uncertain Significance.

Ambry Genetics
Classification: Uncertain significance for Cardiovascular phenotype. Last evaluated: 2025-04-14. Review status: criteria provided, single submitter. Criteria: Ambry Variant Classification Scheme 2023. Collection method: clinical testing. Allele origin: germline.
Comment: The p.S67G variant (also known as c.199A>G), located in coding exon 1 of the GATAD1 gene, results from an A to G substitution at nucleotide position 199. The serine at codon 67 is replaced by glycine, an amino acid with similar properties. This amino acid position is conserved. In addition, this alteration is predicted to be tolerated by in silico analysis. Since supporting evidence is limited at this time, the clinical significance of this alteration remains unclear.